The following is an entry in ClinVar:

ClinVar aggregate classification (germline): Pathogenic (1 of 4 stars; one submission).

Conditions:
Heterotopia, periventricular, X-linked dominant (PVNH1). Also called: PERIVENTRICULAR NODULAR HETEROTOPIA 1; X-linked periventricular heterotopia; PERIVENTRICULAR NODULAR HETEROTOPIA 4; HETEROTOPIA, PERIVENTRICULAR, 1. Identifiers: Orphanet 2149, Orphanet 82004, MedGen C1848213, MONDO:0010233, OMIM 300049.
Melnick-Needles syndrome (MNS). Also called: Melnick-Needles Syndrome (FLNA-MNS); MELNICK-NEEDLES OSTEODYSPLASTY; OSTEODYSPLASTY OF MELNICK AND NEEDLES. Identifiers: Orphanet 2484, MedGen C0025237, MONDO:0010650, OMIM 309350.
Frontometaphyseal dysplasia (FMD1). Identifiers: Orphanet 1826, MedGen C0265293, MONDO:0015942.
Oto-palato-digital syndrome, type II (OPD2). Also called: Otopalatodigital Syndrome Type 2 (FLNA-OPD2); FACIOPALATOOSSEOUS SYNDROME; OPD II SYNDROME; Otopalatodigital Syndrome, Type II. Identifiers: Orphanet 669, Orphanet 90652, MedGen C1844696, MONDO:0010571, OMIM 304120.

Submission:

Labcorp Genetics (formerly Invitae), Labcorp
Classification: Pathogenic for Oto-palato-digital syndrome, type II; Heterotopia, periventricular, X-linked dominant; Frontometaphyseal dysplasia; Melnick-Needles syndrome. Last evaluated: 2024-09-03. Review status: criteria provided, single submitter. Criteria: Invitae Variant Classification Sherloc (09022015). Collection method: clinical testing. Allele origin: germline.
Comment: This sequence change replaces lysine, which is basic and polar, with arginine, which is basic and polar, at codon 1929 of the FLNA protein (p.Lys1929Arg). This variant is not present in population databases (gnomAD no frequency). This missense change has been observed in individual(s) with periventricular heterotopia (internal data). In at least one individual the variant was observed to be de novo. Invitae Evidence Modeling of protein sequence and biophysical properties (such as structural, functional, and spatial information, amino acid conservation, physicochemical variation, residue mobility, and thermodynamic stability) indicates that this missense variant is not expected to disrupt FLNA protein function with a negative predictive value of 95%. Algorithms developed to predict the effect of sequence changes on RNA splicing suggest that this variant may disrupt the consensus splice site. For these reasons, this variant has been classified as Pathogenic.

NM_001110556.2(FLNA):c.5810A>G (p.Lys1937Arg)

Gene: FLNA (filamin A; minus strand). Cytogenetic location: Xq28.
Variant type: single nucleotide variant.
Coding change: c.5810A>G on transcript NM_001110556.2 (MANE Select); coding-DNA position 5810, A replaced by G.
Protein change: p.Lys1937Arg; replaces lysine 1937 with arginine.
Molecular consequence: missense variant.
Genome position (GRCh38, 1-based): chrX:154,353,604, T>C on the plus strand (A>G on the coding strand, the complement: FLNA is on the minus strand). VCF-style: chrX-154353604-T-C. GRCh37 (hg19) VCF-style: chrX-153581972-T-C.
Other names: c.5786A>G, p.Lys1929Arg (NM_001456.4); short protein forms K1937R, K1929R.
Identifiers: ClinVar variation 2952485 (VCV002952485.3), dbSNP rs2522724685, ClinGen allele CA415199218.